The following is an entry in ClinVar:

ClinVar aggregate classification (germline): Uncertain significance (1 of 4 stars; one submission).

Submission:

Labcorp Genetics (formerly Invitae), Labcorp
Classification: Uncertain significance. Last evaluated: 2025-06-04. Review status: criteria provided, single submitter. Criteria: Invitae Variant Classification Sherloc (09022015). Collection method: clinical testing. Allele origin: germline.
Comment: This sequence change replaces glutamine, which is neutral and polar, with arginine, which is basic and polar, at codon 53 of the UMOD protein (p.Gln53Arg). This variant is not present in population databases (gnomAD no frequency). This variant has not been reported in the literature in individuals affected with UMOD-related conditions. Invitae Evidence Modeling of protein sequence and biophysical properties (such as structural, functional, and spatial information, amino acid conservation, physicochemical variation, residue mobility, and thermodynamic stability) indicates that this missense variant is not expected to disrupt UMOD protein function with a negative predictive value of 95%. In summary, the available evidence is currently insufficient to determine the role of this variant in disease. Therefore, it has been classified as a Variant of Uncertain Significance.

NM_003361.4(UMOD):c.158A>G (p.Gln53Arg)

Gene: UMOD (uromodulin; minus strand). Cytogenetic location: 16p12.3.
Variant type: single nucleotide variant.
Coding change: c.158A>G on transcript NM_003361.4 (MANE Select); coding-DNA position 158, A replaced by G.
Protein change: p.Gln53Arg; replaces glutamine 53 with arginine.
Molecular consequence: missense variant. On other transcripts: non-coding transcript variant (1).
Genome position (GRCh38, 1-based): chr16:20,349,143, T>C on the plus strand (A>G on the coding strand, the complement: UMOD is on the minus strand). VCF-style: chr16-20349143-T-C. GRCh37 (hg19) VCF-style: chr16-20360465-T-C.
Other names: c.158A>G, p.Gln53Arg (NM_001008389.3, NM_001378232.1, NM_001378233.1 and 3 more transcripts); c.257A>G, p.Gln86Arg (NM_001278614.2); short protein forms Q53R, Q86R.
Identifiers: ClinVar variation 4802919 (VCV004802919.1).
Genomic context (GRCh38, chr16:20,349,143, plus strand): 5'-CCAGGAATGGCGCACTCATCCAGGTCCACGCAGGTCAGGCCATCGCCGGTGAAGCCCTCC[T>C]GACAGGTGCACGTCGTAACGGCCTCATCCTCCGTGCAGGTGGCATTGCTGTGACATTCAG-3'
Protein context (NP_003352.2, residues 43-63): EDEAVTTCTC[Gln53Arg]EGFTGDGLTC